The following is an entry in ClinVar:

NM_004336.5(BUB1):c.1324C>A (p.Pro442Thr)

Gene: BUB1 (BUB1 mitotic checkpoint serine/threonine kinase; minus strand). Cytogenetic location: 2q13.
Variant type: single nucleotide variant.
Coding change: c.1324C>A on transcript NM_004336.5 (MANE Select); coding-DNA position 1324, C replaced by A.
Protein change: p.Pro442Thr; replaces proline 442 with threonine.
Molecular consequence: missense variant.
Genome position (GRCh38, 1-based): chr2:110,658,695, G>T on the plus strand (C>A on the coding strand, the complement: BUB1 is on the minus strand). VCF-style: chr2-110658695-G-T. GRCh37 (hg19) VCF-style: chr2-111416272-G-T.
Other names: c.1264C>A, p.Pro422Thr (NM_001278616.2); c.1324C>A, p.Pro442Thr (NM_001278617.2); short protein forms P422T, P442T.
Identifiers: ClinVar variation 1769968 (VCV001769968.3), dbSNP rs1689999222, ClinGen allele CA348212667.

ClinVar aggregate classification (germline): Uncertain significance (1 of 4 stars; one submission).

Allele frequency attached by ClinVar (database versions not stated): TOPMed below 0.00001; gnomAD exomes 0.00001.
gnomAD v4.1: 4 of 1,614,218 alleles (0.00025%); highest among the groups gnomAD compares: Non-Finnish European, 0.00034%; no homozygotes.

Submission:

Ambry Genetics
Classification: Uncertain significance. Last evaluated: 2024-05-26. Review status: criteria provided, single submitter. Criteria: Ambry Variant Classification Scheme 2023. Collection method: clinical testing. Allele origin: germline.
Comment: The p.P442T variant (also known as c.1324C>A), located in coding exon 12 of the BUB1 gene, results from a C to A substitution at nucleotide position 1324. The proline at codon 442 is replaced by threonine, an amino acid with highly similar properties. This amino acid position is conserved. In addition, the in silico prediction for this alteration is inconclusive. Since supporting evidence is limited at this time, the clinical significance of this alteration remains unclear.